The following is an entry in ClinVar:

NM_001148.6(ANK2):c.2054G>T (p.Gly685Val)

Gene: ANK2 (ankyrin 2; plus strand). Cytogenetic location: 4q26.
Variant type: single nucleotide variant.
Coding change: c.2054G>T on transcript NM_001148.6 (MANE Select); coding-DNA position 2054, G replaced by T.
Protein change: p.Gly685Val; replaces glycine 685 with valine.
Molecular consequence: missense variant.
Genome position (GRCh38, 1-based): chr4:113,282,847, G>T. VCF-style: chr4-113282847-G-T. GRCh37 (hg19) VCF-style: chr4-114204003-G-T.
Other names: c.1991G>T, p.Gly664Val (NM_001127493.3, NM_001354239.2, NM_001354243.2 and 10 more transcripts); c.2054G>T, p.Gly685Val (NM_001354225.2, NM_001354228.2, NM_001354232.2 and 6 more transcripts); c.2099G>T, p.Gly700Val (NM_001354230.2, NM_001354231.2, NM_001354237.2 and 5 more transcripts); c.1955G>T, p.Gly652Val (NM_001354245.2, NM_001354268.2); c.1967G>T, p.Gly656Val (NM_001354249.2, NM_001354274.2, NM_001354276.2 and 10 more transcripts); c.1892G>T, p.Gly631Val (NM_001354253.2, NM_001354270.2, NM_001386156.1 and 1 more transcripts); c.1844G>T, p.Gly615Val (NM_001354269.3); c.1868G>T, p.Gly623Val (NM_001354271.2, NM_001354260.2, NM_001386151.1); and 8 more; short protein forms G619V, G694V, G700V, G590V, G656V, G664V, G557V, G631V.
Identifiers: ClinVar variation 1349990 (VCV001349990.10), dbSNP rs1200160910, ClinGen allele CA357914371.

ClinVar aggregate classification (germline): Uncertain significance. Review status: criteria provided, multiple submitters, no conflicts (2 of 4 stars). 4 submissions from 4 submitters: Uncertain significance (4). Last evaluated 2026-01-20.

Conditions:
Cardiovascular phenotype. Identifiers: MedGen CN230736.
ANK2-related disorder. Also called: ANK2-related condition.
Long QT syndrome (LQTS). Identifiers: MedGen C0023976, MeSH D008133, MONDO:0002442. Disease mechanism: loss of function. Inheritance: Various modes of inheritance.

gnomAD v4.1: 36 of 1,613,866 alleles (0.0022%); highest among the groups gnomAD compares: Non-Finnish European, 0.003%; no homozygotes.

Submissions (4):

PreventionGenetics, part of Exact Sciences
Classification: Uncertain significance for ANK2-related condition. Last evaluated: 2026-01-20. Review status: criteria provided, single submitter. Criteria: ACMG Guidelines, 2015. Collection method: clinical testing. Allele origin: germline.
Comment: The ANK2 c.2054G>T variant is predicted to result in the amino acid substitution p.Gly685Val. To our knowledge, this variant has not been reported in the literature. This variant is reported in 0.0% of alleles in individuals of African descent in gnomAD. At this time, the clinical significance of this variant is uncertain due to the absence of conclusive functional and genetic evidence.

Labcorp Genetics (formerly Invitae), Labcorp
Classification: Uncertain significance for Long QT syndrome. Last evaluated: 2025-10-18. Review status: criteria provided, single submitter. Criteria: Invitae Variant Classification Sherloc (09022015). Collection method: clinical testing. Allele origin: germline.
Comment: This sequence change replaces glycine, which is neutral and non-polar, with valine, which is neutral and non-polar, at codon 685 of the ANK2 protein (p.Gly685Val). This variant is not present in population databases (gnomAD no frequency). This variant has not been reported in the literature in individuals affected with ANK2-related conditions. ClinVar contains an entry for this variant (Variation ID: 1349990). Invitae Evidence Modeling of protein sequence and biophysical properties (such as structural, functional, and spatial information, amino acid conservation, physicochemical variation, residue mobility, and thermodynamic stability) indicates that this missense variant is not expected to disrupt ANK2 protein function with a negative predictive value of 80%. Algorithms developed to predict the effect of sequence changes on RNA splicing suggest that this variant may create or strengthen a splice site. In summary, the available evidence is currently insufficient to determine the role of this variant in disease. Therefore, it has been classified as a Variant of Uncertain Significance.

Ambry Genetics
Classification: Uncertain significance for Cardiovascular phenotype. Last evaluated: 2022-08-25. Review status: criteria provided, single submitter. Criteria: Ambry Variant Classification Scheme 2023. Collection method: clinical testing. Allele origin: germline.
Comment: The p.G685V variant (also known as c.2054G>T), located in coding exon 18 of the ANK2 gene, results from a G to T substitution at nucleotide position 2054. The glycine at codon 685 is replaced by valine, an amino acid with dissimilar properties. This amino acid position is well conserved in available vertebrate species. In addition, this alteration is predicted to be deleterious by in silico analysis. Since supporting evidence is limited at this time, the clinical significance of this alteration remains unclear.

AiLife Diagnostics
Classification: Uncertain significance. Last evaluated: 2022-02-09. Review status: criteria provided, single submitter. Criteria: ACMG Guidelines, 2015. Collection method: clinical testing. Allele origin: germline. Affected: yes. Observed: 5 variant alleles.